The following is an entry in ClinVar:

ClinVar aggregate classification (germline): Uncertain significance. Review status: criteria provided, multiple submitters, no conflicts (2 of 4 stars). 2 submissions from 2 submitters: Uncertain significance (2). Last evaluated 2026-09-11.

Conditions:
Cataract 3 multiple types. Also called: CATARACT 3, MULTIPLE TYPES, WITH OR WITHOUT MICROCORNEA. Identifiers: Orphanet 1377, MedGen C1832175, MONDO:0011104, OMIM 601547.
Inborn genetic diseases. Identifiers: MedGen C0950123, MeSH D030342.

Allele frequency attached by ClinVar (database versions not stated): gnomAD exomes below 0.00001; ExAC 0.00001.

Submissions (2):

Ambry Genetics
Classification: Uncertain significance for Inborn genetic diseases. Last evaluated: 2026-09-11. Review status: criteria provided, single submitter. Criteria: Ambry Variant Classification Scheme 2023. Collection method: clinical testing. Allele origin: germline.

Labcorp Genetics (formerly Invitae), Labcorp
Classification: Uncertain significance for Cataract 3 multiple types. Last evaluated: 2025-09-28. Review status: criteria provided, single submitter. Criteria: Invitae Variant Classification Sherloc (09022015). Collection method: clinical testing. Allele origin: germline.
Comment: This sequence change replaces glycine, which is neutral and non-polar, with glutamic acid, which is acidic and polar, at codon 57 of the CRYBB2 protein (p.Gly57Glu). This variant is present in population databases (rs775525695, gnomAD 0.0009%). This variant has not been reported in the literature in individuals affected with CRYBB2-related conditions. ClinVar contains an entry for this variant (Variation ID: 2316067). An algorithm developed to predict the effect of missense changes on protein structure and function (PolyPhen-2) suggests that this variant is likely to be disruptive. In summary, the available evidence is currently insufficient to determine the role of this variant in disease. Therefore, it has been classified as a Variant of Uncertain Significance.

NM_000496.3(CRYBB2):c.170G>A (p.Gly57Glu)

Gene: CRYBB2 (crystallin beta B2; plus strand). Cytogenetic location: 22q11.23.
Variant type: single nucleotide variant.
Coding change: c.170G>A on transcript NM_000496.3 (MANE Select); coding-DNA position 170, G replaced by A.
Protein change: p.Gly57Glu; replaces glycine 57 with glutamic acid.
Molecular consequence: missense variant.
Genome position (GRCh38, 1-based): chr22:25,225,033, G>A. VCF-style: chr22-25225033-G-A. GRCh37 (hg19) VCF-style: chr22-25621000-G-A.
Other names: short protein forms G57E.
Identifiers: ClinVar variation 2316067 (VCV002316067.4), dbSNP rs775525695, ClinGen allele CA10157946.
Genomic context (GRCh38, chr22:25,225,033, plus strand): 5'-CCTGCCCCAACCTGAAGGAAACTGGCGTGGAGAAGGCAGGTTCTGTCCTAGTGCAGGCTG[G>A]ACCGTAAGTACCTGGGTGGCCTCTCCTGGTCAGGGACTTTGGGTGAGGTGATCAAGTTGT-3'
Protein context (NP_000487.1, residues 47-67): EKAGSVLVQA[Gly57Glu]PWVGYEQANC